The following is an entry in ClinVar:

ClinVar aggregate classification (germline): Pathogenic. Review status: reviewed by expert panel (3 of 4 stars). 8 submissions from 8 submitters: Pathogenic (1). 7 of the submissions do not count toward it. Last evaluated 2025-03-06.

Conditions:
Autosomal recessive limb-girdle muscular dystrophy. Identifiers: Orphanet 102015, MedGen C2931907, MONDO:0015152.
Neuromuscular disease caused by qualitative or quantitative defects of dysferlin. Also called: Qualitative or quantitative defects of dysferlin; Dysferlinopathy. Identifiers: Orphanet 207073, MedGen C2931687, MONDO:0016145.
Miyoshi muscular dystrophy 1 (MMD1). Identifiers: Orphanet 45448, MedGen C4551973, MONDO:0024545, OMIM 254130.
Autosomal recessive limb-girdle muscular dystrophy type 2B (LGMDR2). Also called: MUSCULAR DYSTROPHY, LIMB-GIRDLE, AUTOSOMAL RECESSIVE 2; Limb-Girdle Muscular Dystrophy Type 2B (LGMD2B); Limb-girdle muscular dystrophy, type 2B; MUSCULAR DYSTROPHY, LIMB-GIRDLE, TYPE 3. Identifiers: Orphanet 268, MedGen C1850889, MONDO:0009676, OMIM 253601.

Allele frequency attached by ClinVar (database versions not stated): TOPMed 0.00001.

Submissions (8):

ClinGen Limb Girdle Muscular Dystrophy Variant Curation Expert Panel, ClinGen
Classification: Pathogenic for Autosomal recessive limb-girdle muscular dystrophy. Last evaluated: 2025-03-06. Review status: reviewed by expert panel. Criteria: ClinGen LGMD VCEP ACMG Specifications DYSF V1.0.0. Collection method: curation. Allele origin: germline. Inheritance: Autosomal recessive inheritance.
Comment: The NM_003494.4: c.2790G>C variant in DYSF, which is also known as NM_001130987.2: c.2844G>C p.(Trp948Cys), is a missense variant predicted to cause substitution of tryptophan by cysteine at amino acid 930, p.(Trp930Cys). This variant has been detected in at least three individuals with LGMD (PMID: 18853459, 36983702, 27602406), including confirmed in trans with a pathogenic variant (NM_003494.4: c.3832C>T p.(Gln1278Ter), 1.0 pt, PMID: 18853459, LOVD Individual #00215573) and in unknown phase with a pathogenic variant (NM_003494.4: c.2643+1G>A, 0.5 pts, PMID: 36983702) (PM3). Although both patients were reported to have additional DYSF variants in unknown phase, these other variants could be classified as likely benign. At least one patient with this variant and a second presumed diagnostic DYSF variant displayed progressive weakness and absent dysferlin protein expression, which is highly specific for DYSF-associated LGMD (PP4_Strong, PMID: 36983702, 18853459). This variant is absent from gnomAD v2.1.1, v3.1.2, and v4.1.0 (PM2_Supporting). Immunofluorescence and 2-A assays of dysferlin membrane localization in HEK293T cells showed the Trp930Cys protein did not reach the cell membrane, indicating an impact on protein function (PMID: 35028538) (PS3_Moderate). The computational predictor REVEL gives a score of 0.87, which is above the LGMD VCEP threshold of 0.70, evidence that correlates with impact to DYSF function (PP3). In summary, this variant meets the criteria to be classified as Pathogenic for autosomal recessive limb-girdle muscular dystrophy based on the ACMG/AMP criteria applied, as specified by the ClinGen LGMD VCEP (LGMD VCEP specifications version 1.0.0; 03/06/2025): PM3, PP4_Strong, PM2_Supporting, PS3_Moderate, PP3.

Women's Health and Genetics/Laboratory Corporation of America, LabCorp
Classification: Likely pathogenic for Autosomal recessive limb-girdle muscular dystrophy. Last evaluated: 2024-11-22. Review status: criteria provided, single submitter. Criteria: LabCorp Variant Classification Summary - May 2015. Collection method: clinical testing. Allele origin: germline. Not counted in ClinVar's aggregate classification.
Comment: Variant summary: DYSF c.2790G>C (p.Trp930Cys) results in a non-conservative amino acid change located in the Dysferlin domain, N-terminal region (IPR006614) of the encoded protein sequence. Five of five in-silico tools predict a damaging effect of the variant on protein function. The variant was absent in 250552 control chromosomes. c.2790G>C has been reported in the literature in individuals affected with Limb-Girdle Muscular Dystrophy and Dysferlinopathy (example, Krahn_2009, Moore_2021, Rufibach_2023, Therrien_2006). These data indicate that the variant is likely to be associated with disease. To our knowledge, no experimental evidence demonstrating an impact on protein function has been reported. The following publications have been ascertained in the context of this evaluation (PMID: 18853459, 33610434, 36983702, 16996541). ClinVar contains an entry for this variant (Variation ID: 167021). Based on the evidence outlined above, the variant was classified as likely pathogenic.

Labcorp Genetics (formerly Invitae), Labcorp
Classification: Pathogenic for Neuromuscular disease caused by qualitative or quantitative defects of dysferlin. Last evaluated: 2023-11-17. Review status: criteria provided, single submitter. Criteria: Invitae Variant Classification Sherloc (09022015). Collection method: clinical testing. Allele origin: germline. Not counted in ClinVar's aggregate classification.
Comment: This sequence change replaces tryptophan, which is neutral and slightly polar, with cysteine, which is neutral and slightly polar, at codon 930 of the DYSF protein (p.Trp930Cys). This variant is not present in population databases (gnomAD no frequency). This missense change has been observed in individual(s) with DYSF-related conditions (PMID: 18853459, 33610434). ClinVar contains an entry for this variant (Variation ID: 167021). Advanced modeling of protein sequence and biophysical properties (such as structural, functional, and spatial information, amino acid conservation, physicochemical variation, residue mobility, and thermodynamic stability) performed at Invitae indicates that this missense variant is expected to disrupt DYSF protein function with a positive predictive value of 95%. For these reasons, this variant has been classified as Pathogenic.

Baylor Genetics
Classification: Pathogenic for Miyoshi muscular dystrophy 1. Last evaluated: 2023-10-09. Review status: criteria provided, single submitter. Criteria: ACMG Guidelines, 2015. Collection method: clinical testing. Allele origin: unknown. Not counted in ClinVar's aggregate classification.

Revvity Omics, Revvity
Classification: Likely pathogenic. Last evaluated: 2023-09-18. Review status: criteria provided, single submitter. Criteria: ACMG Guidelines, 2015. Collection method: clinical testing. Allele origin: germline. Not counted in ClinVar's aggregate classification.

Jain Foundation
Classification: Likely pathogenic for Dysferlinopathy. Last evaluated: 2023-03-13. Review status: criteria provided, single submitter. Criteria: Rufibach et al. (J Pers Med. 2023). Collection method: research. Allele origin: unknown. Inheritance: Autosomal recessive inheritance. Affected: yes. Observed: 2 compound heterozygotes. Clinical features observed: progressive muscle weakness, dystrophic muscle biopsy. Not counted in ClinVar's aggregate classification.
Comment: This variant is absent from gnomAD v2.1.1. This variant has been reported in individuals with a clinical phenotype consistent with dysferlinopathy, associated with disease range dysferlin protein levels, and found in the heterozygous state in conjuction with the pathogeic or likely pathogenic DYSF variants, c.2643+1G>A, c.4024C>T, or c.3832C>T (PMID: 36983702, 18853459). This variant has also been reported to cause reduced dysferlin protein expression and no plasma membrane localization via an in vitro assay (PMID: 35028538). Both the REVEL (0.867) and CADD (25.7) scores support a deleterious effect. The ACMG classification criteria applied are: PM2 moderate, PM3 moderate, PP3, PP4 moderate, and PS3 supporting. Based on the above data, this variant has been classified as Likely Pathogenic.

Eurofins Ntd Llc (ga)
Classification: Uncertain significance. Last evaluated: 2016-02-05. Review status: criteria provided, single submitter. Criteria: EGL Classification Definitions 2015. Collection method: clinical testing. Allele origin: germline. Observed: 2 variant alleles, 1 heterozygote, 1 homozygote. Not counted in ClinVar's aggregate classification.

Counsyl
Classification: Uncertain significance for Autosomal recessive limb-girdle muscular dystrophy type 2B. Last evaluated: 2017-08-03. Review status: no assertion criteria provided. Collection method: clinical testing. Allele origin: unknown. Not counted in ClinVar's aggregate classification.

Literature cited by the submitters: PubMed 33610434 (cited by Women's Health and Genetics/Laboratory Corporation of America, LabCorp and Labcorp Genetics (formerly Invitae), Labcorp); PubMed 18853459 (cited by 5 submitters); PubMed 36983702 (cited by Women's Health and Genetics/Laboratory Corporation of America, LabCorp); PubMed 16996541 (cited by 3 submitters); PubMed 35028538 (cited by Jain Foundation); PubMed 27602406 (cited by Counsyl).

NM_001130987.2(DYSF):c.2844G>C (p.Trp948Cys)

Gene: DYSF (dysferlin; plus strand). Cytogenetic location: 2p13.2.
Variant type: single nucleotide variant.
Coding change: c.2844G>C on transcript NM_001130987.2 (MANE Select); coding-DNA position 2844, G replaced by C.
Protein change: p.Trp948Cys; replaces tryptophan 948 with cysteine.
Molecular consequence: missense variant.
Genome position (GRCh38, 1-based): chr2:71,568,318, G>C. VCF-style: chr2-71568318-G-C. GRCh37 (hg19) VCF-style: chr2-71795448-G-C.
Other names: NM_001130987.2(DYSF):c.2844G>C; p.Trp948Cys; c.2793G>C, p.Trp931Cys (NM_001130455.2, NM_001130983.2); c.2748G>C, p.Trp916Cys (NM_001130976.2, NM_001130977.2); c.2790G>C, p.Trp930Cys (NM_001130978.2, NM_003494.4); c.2883G>C, p.Trp961Cys (NM_001130979.2); c.2841G>C, p.Trp947Cys (NM_001130980.2, NM_001130981.2); c.2886G>C, p.Trp962Cys (NM_001130982.2); and 2 more; short protein forms W930C, W948C, W916C, W931C, W947C, W962C, W917C, W961C.
Identifiers: ClinVar variation 167021 (VCV000167021.15), dbSNP rs727503910, ClinGen allele CA233931.